The following is an entry in ClinVar:

NM_000271.5(NPC1):c.1947+14_1947+15insC

Gene: NPC1 (NPC intracellular cholesterol transporter 1; minus strand). Cytogenetic location: 18q11.2.
Variant type: Insertion.
Coding change: c.1947+14_1947+15insC on transcript NM_000271.5 (MANE Select); bases 14 to 15 of the intron after coding-DNA position 1947, C inserted.
Molecular consequence: intron variant.
Genome position: GRCh38 VCF-style: chr18-23544945-C-CG. GRCh37 (hg19) VCF-style: chr18-21124909-C-CG.
Other names: p.?.
Identifiers: ClinVar variation 326267 (VCV000326267.25), dbSNP rs201170241, ClinGen allele CA8913293.

ClinVar aggregate classification (germline): Conflicting classifications of pathogenicity. Review status: criteria provided, conflicting classifications (1 of 4 stars). 7 submissions from 7 submitters: Uncertain significance (1); Benign (2); Likely benign (1). 3 of the submissions do not count toward it. Last evaluated 2026-01-31.

Conditions:
Niemann-Pick disease, type C1. Also called: NIEMANN-PICK DISEASE, VARIANT TYPE C1; NEUROVISCERAL STORAGE DISEASE WITH VERTICAL SUPRANUCLEAR OPHTHALMOPLEGIA; NIEMANN-PICK DISEASE WITH CHOLESTEROL ESTERIFICATION BLOCK; NIEMANN-PICK DISEASE WITHOUT SPHINGOMYELINASE DEFICIENCY; NIEMANN-PICK DISEASE, CHRONIC NEURONOPATHIC FORM. Identifiers: Orphanet 646, MedGen C3179455, MONDO:0009757, OMIM 257220.

Allele frequency attached by ClinVar (database versions not stated): gnomAD exomes 0.00371; ExAC 0.00544; TOPMed 0.01176; 1000 Genomes Project 0.01198.

Submissions (7):

Labcorp Genetics (formerly Invitae), Labcorp
Classification: Benign for Niemann-Pick disease, type C1. Last evaluated: 2026-01-31. Review status: criteria provided, single submitter. Criteria: Invitae Variant Classification Sherloc (09022015). Collection method: clinical testing. Allele origin: germline.

Mayo Clinic Laboratories, Mayo Clinic
Classification: Benign. Last evaluated: 2022-05-10. Review status: criteria provided, single submitter. Criteria: ACMG Guidelines, 2015. Collection method: clinical testing. Allele origin: germline. Observed: 4 variant alleles.
Comment: BA1, BP4, BP7

GeneDx
Classification: Likely benign. Last evaluated: 2018-07-05. Review status: criteria provided, single submitter. Criteria: GeneDx Variant Classification Process June 2021. Collection method: clinical testing. Allele origin: germline. Affected: yes.

Eurofins Ntd Llc (ga)
Classification: Uncertain significance. Last evaluated: 2017-02-06. Review status: criteria provided, single submitter. Criteria: EGL Classification Definitions 2015. Collection method: clinical testing. Allele origin: germline. Observed: 1 variant allele, 1 heterozygote.

Clinical Genetics, Academic Medical Center
Classification: Benign. Review status: no assertion criteria provided. Collection method: clinical testing. Allele origin: germline. Affected: yes. Study: VKGL Data-share Consensus. Not counted in ClinVar's aggregate classification.

Diagnostic Laboratory, Department of Genetics, University Medical Center Groningen
Classification: Likely benign. Review status: no assertion criteria provided. Collection method: clinical testing. Allele origin: germline. Affected: yes. Study: VKGL Data-share Consensus. Not counted in ClinVar's aggregate classification.

Genome Diagnostics Laboratory, University Medical Center Utrecht
Classification: Likely benign. Review status: no assertion criteria provided. Collection method: clinical testing. Allele origin: germline. Affected: yes. Study: VKGL Data-share Consensus. Not counted in ClinVar's aggregate classification.